The following is an entry in ClinVar:

ClinVar aggregate classification (germline): Likely pathogenic (1 of 4 stars; one submission).

Conditions:
Hereditary hyperinsulinism.

Submission:

Natera, Inc.
Classification: Likely pathogenic for Hereditary hyperinsulinism. Last evaluated: 2025-06-26. Review status: criteria provided, single submitter. Criteria: Natera Variant Classification Schema (03/2026). Collection method: clinical testing. Allele origin: germline.
Comment: The c.1620dup variant in ABCC8 is a frameshift variant predicted to shift the reading frame beginning at codon 541 and leads to a stop codon 81 codons downstream. This variant is expected to result in nonsense mediated decay, truncation, or a dysfunctional protein product. This variant is rare in the general population with a frequency below the threshold expected for the associated phenotype(s). Given the available evidence, this variant is classified as Likely Pathogenic.

NM_000352.6(ABCC8):c.1620dup (p.Ser541fs)

Gene: ABCC8 (ATP binding cassette subfamily C member 8; minus strand). Cytogenetic location: 11p15.1.
Variant type: Duplication.
Coding change: c.1620dup on transcript NM_000352.6 (MANE Select); coding-DNA position 1620, one base duplicated (C; older notation c.1620dupC).
Protein change: p.Ser541fs; shifts the reading frame from serine 541.
Molecular consequence: frameshift variant. On other transcripts: non-coding transcript variant (1).
Genome position (GRCh38, 1-based): chr11:17,442,730, G duplicated on the plus strand (C on the coding strand, the reverse complement: ABCC8 is on the minus strand); the first of 2 consecutive G bases (chr11:17,442,730-17,442,731); duplicating either gives the same sequence. VCF-style (leftmost placement, unchanged base first): chr11-17442729-A-AG. GRCh37 (hg19) VCF-style: chr11-17464276-A-AG.
Other names: c.1620dup, p.Ser541fs (NM_001287174.3, NM_001351295.2); c.1617dup, p.Ser540fs (NM_001351296.2, NM_001351297.2); short protein forms S540fs, S541fs.
Identifiers: ClinVar variation 4818235 (VCV004818235.1).
Genomic context (GRCh38, chr11:17,442,729, plus strand): 5'-CCTTGCATGTACGCAGCAGCACCCAGGGCTGGCTGTGTGGGGTGAACTCACTGGAGATGG[A>AG]GGTATAGATGGCAAAGGCCCTGAGGCTGGTCATCTCCTTCCTGCGGGTCGTCTCCACCCG-3'